The following is an entry in ClinVar:

ClinVar aggregate classification (germline): Uncertain significance (1 of 4 stars; one submission).

Conditions:
Inborn genetic diseases. Identifiers: MedGen C0950123, MeSH D030342.

Submission:

Ambry Genetics
Classification: Uncertain significance for Inborn genetic diseases. Last evaluated: 2025-01-22. Review status: criteria provided, single submitter. Criteria: Ambry Variant Classification Scheme 2023. Collection method: clinical testing. Allele origin: germline.
Comment: The p.S192L variant (also known as c.575C>T), located in coding exon 3 of the KDM1A gene, results from a C to T substitution at nucleotide position 575. The serine at codon 192 is replaced by leucine, an amino acid with dissimilar properties. This amino acid position is conserved. In addition, this alteration is predicted to be tolerated by in silico analysis. Based on the available evidence, the clinical significance of this variant remains unclear.

NM_001009999.3(KDM1A):c.575C>T (p.Ser192Leu)

Gene: KDM1A (lysine demethylase 1A; plus strand). Cytogenetic location: 1p36.12.
Variant type: single nucleotide variant.
Coding change: c.575C>T on transcript NM_001009999.3 (MANE Select); coding-DNA position 575, C replaced by T.
Protein change: p.Ser192Leu; replaces serine 192 with leucine.
Molecular consequence: missense variant. On other transcripts: intron variant (3).
Genome position (GRCh38, 1-based): chr1:23,044,484, C>T. VCF-style: chr1-23044484-C-T. GRCh37 (hg19) VCF-style: chr1-23370977-C-T.
Other names: c.575C>T, p.Ser192Leu (NM_001410762.1); c.518-5903C>T (NM_001363654.2, NM_001410763.1, NM_015013.4); short protein forms S192L.
Identifiers: ClinVar variation 3863287 (VCV003863287.1).